The following is an entry in ClinVar:

ClinVar aggregate classification (germline): Uncertain significance. Review status: criteria provided, multiple submitters, no conflicts (2 of 4 stars). 2 submissions from 2 submitters: Uncertain significance (2). Last evaluated 2023-09-06.

Conditions:
Chédiak-Higashi syndrome (CHS). Also called: Chediak-Higashi Syndrome. Identifiers: Orphanet 167, MedGen C0007965, MONDO:0008963, OMIM 214500.

Allele frequency attached by ClinVar (database versions not stated): gnomAD 0.00001; TOPMed 0.00001.
gnomAD v4.1: 2 of 1,613,824 alleles (0.00012%); highest among the groups gnomAD compares: Admixed American, 0.0017%; no homozygotes.

Submissions (2):

Women's Health and Genetics/Laboratory Corporation of America, LabCorp
Classification: Uncertain significance. Last evaluated: 2023-09-06. Review status: criteria provided, single submitter. Criteria: LabCorp Variant Classification Summary - May 2015. Collection method: clinical testing. Allele origin: germline.
Comment: Variant summary: LYST c.9488A>G (p.Tyr3163Cys) results in a non-conservative amino acid change located in the BEACH domain (IPR000409) of the encoded protein sequence. Five of five in-silico tools predict a damaging effect of the variant on protein function. The variant was absent in 251302 control chromosomes (gnomAD). The available data on variant occurrences in the general population are insufficient to allow any conclusion about variant significance. c.9488A>G has been reported in the literature in at least one compound heterozygous individual affected with Primary Immunodeficiency (Fusaro_2021). These data do not allow any conclusion about variant significance. To our knowledge, no experimental evidence demonstrating an impact on protein function has been reported. The following publication has been ascertained in the context of this evaluation (PMID: 32531373). One ClinVar submitter has assessed the variant since 2014, and classified the variant as uncertain significance. Based on the evidence outlined above, the variant was classified as uncertain significance.

Labcorp Genetics (formerly Invitae), Labcorp
Classification: Uncertain significance for Chédiak-Higashi syndrome. Last evaluated: 2022-08-16. Review status: criteria provided, single submitter. Criteria: Invitae Variant Classification Sherloc (09022015). Collection method: clinical testing. Allele origin: germline.
Comment: This sequence change replaces tyrosine, which is neutral and polar, with cysteine, which is neutral and slightly polar, at codon 3163 of the LYST protein (p.Tyr3163Cys). This variant is not present in population databases (gnomAD no frequency). This missense change has been observed in individual(s) with features of primary immunodeficiency (PMID: 32531373). Algorithms developed to predict the effect of missense changes on protein structure and function are either unavailable or do not agree on the potential impact of this missense change (SIFT: "Deleterious"; PolyPhen-2: "Probably Damaging"; Align-GVGD: "Class C0"). In summary, the available evidence is currently insufficient to determine the role of this variant in disease. Therefore, it has been classified as a Variant of Uncertain Significance.

Literature cited by the submitters: PubMed 32531373 (cited by Women's Health and Genetics/Laboratory Corporation of America, LabCorp and Labcorp Genetics (formerly Invitae), Labcorp).

NM_000081.4(LYST):c.9488A>G (p.Tyr3163Cys)

Gene: LYST (lysosomal trafficking regulator; minus strand). Cytogenetic location: 1q42.3.
Variant type: single nucleotide variant.
Coding change: c.9488A>G on transcript NM_000081.4 (MANE Select); coding-DNA position 9488, A replaced by G.
Protein change: p.Tyr3163Cys; replaces tyrosine 3163 with cysteine.
Molecular consequence: missense variant.
Genome position (GRCh38, 1-based): chr1:235,720,733, T>C on the plus strand (A>G on the coding strand, the complement: LYST is on the minus strand). VCF-style: chr1-235720733-T-C. GRCh37 (hg19) VCF-style: chr1-235884033-T-C.
Other names: c.9488A>G, p.Tyr3163Cys (NM_001301365.1); short protein forms Y3163C.
Identifiers: ClinVar variation 2080368 (VCV002080368.2), dbSNP rs1197886701, ClinGen allele CA344943463.